The following is an entry in ClinVar:

ClinVar aggregate classification (germline): Pathogenic (1 of 4 stars; one submission).

Submission:

Labcorp Genetics (formerly Invitae), Labcorp
Classification: Pathogenic. Last evaluated: 2019-01-09. Review status: criteria provided, single submitter. Criteria: Invitae Variant Classification Sherloc (09022015). Collection method: clinical testing. Allele origin: germline.
Comment: This sequence change creates a premature translational stop signal (p.Ser18Valfs*122) in the PUF60 gene. It is expected to result in an absent or disrupted protein product. This variant is not present in population databases (ExAC no frequency). This variant has not been reported in the literature in individuals with PUF60-related disease. Loss-of-function variants in PUF60 are known to be pathogenic (PMID: 27804958, 28327570). For these reasons, this variant has been classified as Pathogenic.

Literature cited by the submitters: PubMed 27804958; PubMed 28327570.

NM_078480.3(PUF60):c.51dup (p.Ser18fs)

Gene: PUF60 (poly(U) binding splicing factor 60; minus strand). Cytogenetic location: 8q24.3.
Variant type: Duplication.
Coding change: c.51dup on transcript NM_078480.3 (MANE Select); coding-DNA position 51, one base duplicated (G; older notation c.51dupG).
Protein change: p.Ser18fs; shifts the reading frame from serine 18.
Molecular consequence: frameshift variant. On other transcripts: 5 prime UTR variant (2), genic upstream transcript variant (2).
Genome position (GRCh38, 1-based): chr8:143,824,373, C duplicated on the plus strand (G on the coding strand, the reverse complement: PUF60 is on the minus strand); the first of 6 consecutive C bases (chr8:143,824,373-143,824,378); duplicating any one gives the same sequence. VCF-style (leftmost placement, unchanged base first): chr8-143824372-A-AC. GRCh37 (hg19) VCF-style: chr8-144906542-A-AC.
Other names: c.-79dup (NM_001136033.3, NM_001271100.2); c.48dup, p.Ser17fs (NM_001271096.2, NM_001271098.2); c.162dup, p.Ser55fs (NM_001362895.2, NM_001362896.2, NM_001362897.2); c.51dup, p.Ser18fs (NM_014281.5); c.25-2465dup (NM_001271097.2, NM_001271099.2); short protein forms S18fs, S55fs, S17fs.
Identifiers: ClinVar variation 853320 (VCV000853320.3), dbSNP rs1563839312, ClinGen allele CA916083015.